The following is an entry in ClinVar:

NM_000038.6(APC):c.5158del (p.Glu1720fs)

Gene: APC (APC regulator of Wnt signaling pathway; plus strand). Cytogenetic location: 5q22.2.
Variant type: Deletion.
Coding change: c.5158del on transcript NM_000038.6 (MANE Select); coding-DNA position 5158, one base deleted (G; older notation c.5158delG).
Protein change: p.Glu1720fs; shifts the reading frame from glutamic acid 1720.
Molecular consequence: frameshift variant.
Genome position (GRCh38, 1-based): chr5:112,840,752, G deleted; the last of 2 consecutive G bases (chr5:112,840,751-112,840,752); deleting either gives the same sequence. VCF-style (leftmost placement, unchanged base first): chr5-112840750-AG-A. GRCh37 (hg19) VCF-style: chr5-112176447-AG-A.
Other names: c.5158del, p.Glu1720fs (NM_001127510.3, NM_001354895.2); c.5104del, p.Glu1702fs (NM_001127511.3); c.5212del, p.Glu1738fs (NM_001354896.2); c.5188del, p.Glu1730fs (NM_001354897.2); c.5083del, p.Glu1695fs (NM_001354898.2); c.5074del, p.Glu1692fs (NM_001354899.2); c.5035del, p.Glu1679fs (NM_001354900.2); c.4981del, p.Glu1661fs (NM_001354901.2); and 5 more; short protein forms E1629fs, E1702fs, E1661fs, E1679fs, E1560fs, E1692fs, E1720fs, E1730fs.
Identifiers: ClinVar variation 232257 (VCV000232257.5), dbSNP rs876659652, ClinGen allele CA10578396.

ClinVar aggregate classification (germline): Pathogenic (1 of 4 stars; one submission).

Conditions:
Hereditary cancer-predisposing syndrome. Also called: Neoplastic Syndromes, Hereditary; Tumor predisposition; Hereditary Cancer Syndrome; Hereditary neoplastic syndrome. Identifiers: Orphanet 140162, MedGen C0027672, MeSH D009386, MONDO:0015356.

Submission:

Ambry Genetics
Classification: Pathogenic for Hereditary cancer-predisposing syndrome. Last evaluated: 2015-06-06. Review status: criteria provided, single submitter. Criteria: Ambry Variant Classification Scheme 2023. Collection method: clinical testing. Allele origin: germline.
Comment: The c.5158delG pathogenic mutation, located in coding exon 15 of the APC gene, results from a deletion of one nucleotide at position 5158, causing a translational frameshift with a predicted alternate stop codon. Since frameshifts are typically deleterious in nature, this alteration is interpreted as a disease-causing mutation (ACMG Recommendations for Standards for Interpretation and Reporting of Sequence Variations. Revision 2007. Genet Med. 2008;10:294).